The following is an entry in ClinVar:

ClinVar aggregate classification (germline): Uncertain significance. Review status: criteria provided, multiple submitters, no conflicts (2 of 4 stars). 3 submissions from 3 submitters: Uncertain significance (3). Last evaluated 2025-04-17.

Conditions:
Hereditary cancer-predisposing syndrome. Also called: Neoplastic Syndromes, Hereditary; Hereditary Cancer Syndrome; Hereditary neoplastic syndrome; Tumor predisposition. Identifiers: Orphanet 140162, MedGen C0027672, MeSH D009386, MONDO:0015356.

Submissions (3):

Ambry Genetics
Classification: Uncertain significance for Hereditary cancer-predisposing syndrome. Last evaluated: 2025-04-17. Review status: criteria provided, single submitter. Criteria: Ambry Variant Classification Scheme 2023. Collection method: clinical testing. Allele origin: germline.
Comment: The p.Q453R variant (also known as c.1358A>G), located in coding exon 13 of the POLE gene, results from an A to G substitution at nucleotide position 1358. The glutamine at codon 453 is replaced by arginine, an amino acid with highly similar properties. This amino acid position is highly conserved in available vertebrate species. In addition, the in silico prediction for this alteration is inconclusive. Based on the available evidence, the clinical significance of this variant remains unclear.

GeneDx
Classification: Uncertain significance. Last evaluated: 2023-07-07. Review status: criteria provided, single submitter. Criteria: GeneDx Variant Classification Process June 2021. Collection method: clinical testing. Allele origin: germline. Affected: yes.
Comment: Not observed at significant frequency in large population cohorts (gnomAD); In silico analysis supports that this missense variant has a deleterious effect on protein structure/function; In silico analysis supports a deleterious effect on splicing; Has not been previously published as pathogenic or benign to our knowledge; This variant is associated with the following publications: (PMID: 20951805, 31829442)

Labcorp Genetics (formerly Invitae), Labcorp
Classification: Uncertain significance. Last evaluated: 2023-03-03. Review status: criteria provided, single submitter. Criteria: Invitae Variant Classification Sherloc (09022015). Collection method: clinical testing. Allele origin: germline.
Comment: In summary, the available evidence is currently insufficient to determine the role of this variant in disease. Therefore, it has been classified as a Variant of Uncertain Significance. Studies have shown that this missense change results in activation of a cryptic splice site and introduces a premature termination codon (Invitae). The resulting mRNA is expected to undergo nonsense-mediated decay. An algorithm developed to predict the effect of missense changes on protein structure and function (PolyPhen-2) suggests that this variant is likely to be tolerated. This variant has not been reported in the literature in individuals affected with POLE-related conditions. This variant is not present in population databases (gnomAD no frequency). This sequence change replaces glutamine, which is neutral and polar, with arginine, which is basic and polar, at codon 453 of the POLE protein (p.Gln453Arg). RNA analysis indicates that this missense change induces altered splicing and may result in an absent or disrupted protein product.

NM_006231.4(POLE):c.1358A>G (p.Gln453Arg)

Gene: POLE (DNA polymerase epsilon, catalytic subunit; minus strand). Cytogenetic location: 12q24.33.
Variant type: single nucleotide variant.
Coding change: c.1358A>G on transcript NM_006231.4 (MANE Select); coding-DNA position 1358, A replaced by G.
Protein change: p.Gln453Arg; replaces glutamine 453 with arginine.
Molecular consequence: missense variant.
Genome position (GRCh38, 1-based): chr12:132,673,576, T>C on the plus strand (A>G on the coding strand, the complement: POLE is on the minus strand). VCF-style: chr12-132673576-T-C. GRCh37 (hg19) VCF-style: chr12-133250162-T-C.
Other names: c.1358A>G (NM_006231.2); short protein forms Q453R.
Identifiers: ClinVar variation 2842609 (VCV002842609.5), dbSNP rs2542144786, ClinGen allele CA387359057.
Genomic context (GRCh38, chr12:132,673,576, plus strand): 5'-CGTGGCCATCTGGATGCGTGCACACGGCAGCAGGGGCAGCCGGGATGTGGCTTACGTGCC[T>C]GGGGCTGCTCCGTGGCCATCCGGCACATGTCCTCCGGGTCTAGCTCCACGGGATCATAGC-3'
Protein context (NP_006222.2, residues 443-463): DMCRMATEQP[Gln453Arg]TLATYSVSDA